The following is an entry in ClinVar:

ClinVar aggregate classification (germline): Uncertain significance (1 of 4 stars; one submission).

Allele frequency attached by ClinVar (database versions not stated): gnomAD exomes below 0.00001.

Submission:

Labcorp Genetics (formerly Invitae), Labcorp
Classification: Uncertain significance. Last evaluated: 2024-09-06. Review status: criteria provided, single submitter. Criteria: Invitae Variant Classification Sherloc (09022015). Collection method: clinical testing. Allele origin: germline.
Comment: This sequence change replaces glycine, which is neutral and non-polar, with aspartic acid, which is acidic and polar, at codon 517 of the PIEZO1 protein (p.Gly517Asp). This variant is not present in population databases (gnomAD no frequency). This variant has not been reported in the literature in individuals affected with PIEZO1-related conditions. ClinVar contains an entry for this variant (Variation ID: 1485888). Invitae Evidence Modeling of protein sequence and biophysical properties (such as structural, functional, and spatial information, amino acid conservation, physicochemical variation, residue mobility, and thermodynamic stability) indicates that this missense variant is not expected to disrupt PIEZO1 protein function with a negative predictive value of 80%. In summary, the available evidence is currently insufficient to determine the role of this variant in disease. Therefore, it has been classified as a Variant of Uncertain Significance.

NM_001142864.4(PIEZO1):c.1550G>A (p.Gly517Asp)

Genes: HSALR1 (HSP90AB1 associated lncRNA 1; plus strand), PIEZO1 (piezo type mechanosensitive ion channel component 1 (Er blood group); minus strand). Cytogenetic location: 16q24.3.
Variant type: single nucleotide variant.
Coding change: c.1550G>A on transcript NM_001142864.4 (MANE Select); coding-DNA position 1550, G replaced by A.
Protein change: p.Gly517Asp; replaces glycine 517 with aspartic acid.
Molecular consequence: missense variant.
Genome position (GRCh38, 1-based): chr16:88,736,155, C>T on the plus strand (G>A on the coding strand, the complement: PIEZO1 is on the minus strand). VCF-style: chr16-88736155-C-T. GRCh37 (hg19) VCF-style: chr16-88802563-C-T.
Other names: short protein forms G517D.
Identifiers: ClinVar variation 1485888 (VCV001485888.8), dbSNP rs2142825655, ClinGen allele CA397117942.